The following is an entry in ClinVar:

NM_004977.3(KCNC3):c.692G>C (p.Gly231Ala)

Gene: KCNC3 (potassium voltage-gated channel subfamily C member 3; minus strand). Cytogenetic location: 19q13.33.
Variant type: single nucleotide variant.
Coding change: c.692G>C on transcript NM_004977.3 (MANE Select); coding-DNA position 692, G replaced by C.
Protein change: p.Gly231Ala; replaces glycine 231 with alanine.
Molecular consequence: missense variant.
Genome position (GRCh38, 1-based): chr19:50,328,391, C>G on the plus strand (G>C on the coding strand, the complement: KCNC3 is on the minus strand). VCF-style: chr19-50328391-C-G. GRCh37 (hg19) VCF-style: chr19-50831648-C-G.
Other names: c.464G>C, p.Gly155Ala (NM_001372305.1); short protein forms G155A, G231A.
Identifiers: ClinVar variation 1712835 (VCV001712835.2), dbSNP rs2513803627, ClinGen allele CA406954431.

ClinVar aggregate classification (germline): Uncertain significance (1 of 4 stars; one submission).

Submission:

GeneDx
Classification: Uncertain significance. Last evaluated: 2022-04-27. Review status: criteria provided, single submitter. Criteria: GeneDx Variant Classification Process June 2021. Collection method: clinical testing. Allele origin: germline. Affected: yes.
Comment: Not observed at significant frequency in large population cohorts (gnomAD); In silico analysis supports that this missense variant does not alter protein structure/function; Has not been previously published as pathogenic or benign to our knowledge